The following is an entry in ClinVar:

NM_052947.4(ALPK2):c.4418G>T (p.Gly1473Val)

Genes: ALPK2 (alpha kinase 2; minus strand), LOC126862764 (BRD4-independent group 4 enhancer GRCh37_chr18:56202574-56203773; plus strand). Cytogenetic location: 18q21.31.
Variant type: single nucleotide variant.
Coding change: c.4418G>T on transcript NM_052947.4 (MANE Select); coding-DNA position 4418, G replaced by T.
Protein change: p.Gly1473Val; replaces glycine 1473 with valine.
Molecular consequence: missense variant.
Genome position (GRCh38, 1-based): chr18:58,535,769, C>A on the plus strand (G>T on the coding strand, the complement: ALPK2 is on the minus strand). VCF-style: chr18-58535769-C-A. GRCh37 (hg19) VCF-style: chr18-56203001-C-A.
Other names: NC_000018.9:g.56203001C>A; short protein forms G1473V.
Identifiers: ClinVar variation 2626020 (VCV002626020.3), dbSNP rs2518874785, ClinGen allele CA402562618.

ClinVar aggregate classification (germline): Uncertain significance (1 of 4 stars; one submission).

Submissions (2):

Ambry Genetics
Classification: Uncertain significance. Last evaluated: 2023-08-02. Review status: criteria provided, single submitter. Criteria: Ambry Variant Classification Scheme 2023. Collection method: clinical testing. Allele origin: germline.
Comment: The p.G1473V variant (also known as c.4418G>T), located in coding exon 4 of the ALPK2 gene, results from a G to T substitution at nucleotide position 4418. The glycine at codon 1473 is replaced by valine, an amino acid with dissimilar properties. This amino acid position is conserved. In addition, this alteration is predicted to be tolerated by in silico analysis. Since supporting evidence is limited at this time, the clinical significance of this alteration remains unclear.

Dr. Peter K. Rogan Lab, Western University
No classification provided (evidence only). Condition: Ovarian serous cystadenocarcinoma. Review status: no classification provided. Collection method: in vitro. Allele origin: not applicable. Functional consequence: retained intron. Not counted in ClinVar's aggregate classification.